The following is an entry in ClinVar:

ClinVar aggregate classification (germline): Uncertain significance. Review status: criteria provided, multiple submitters, no conflicts (2 of 4 stars). 2 submissions from 2 submitters: Uncertain significance (2). Last evaluated 2025-11-18.

Conditions:
Hereditary cancer-predisposing syndrome. Also called: Hereditary neoplastic syndrome; Neoplastic Syndromes, Hereditary; Tumor predisposition; Hereditary Cancer Syndrome. Identifiers: Orphanet 140162, MedGen C0027672, MeSH D009386, MONDO:0015356.
Gorlin syndrome. Also called: Nevoid Basal Cell Carcinoma Syndrome; Basal cell nevus syndrome. Identifiers: Orphanet 377, MedGen C0004779, MONDO:0007187.

Allele frequency attached by ClinVar (database versions not stated): gnomAD exomes below 0.00001.

Submissions (2):

Labcorp Genetics (formerly Invitae), Labcorp
Classification: Uncertain significance for Gorlin syndrome. Last evaluated: 2025-11-18. Review status: criteria provided, single submitter. Criteria: Invitae Variant Classification Sherloc (09022015). Collection method: clinical testing. Allele origin: germline.
Comment: This sequence change replaces methionine, which is neutral and non-polar, with valine, which is neutral and non-polar, at codon 1122 of the PTCH1 protein (p.Met1122Val). This variant is not present in population databases (gnomAD no frequency). This variant has not been reported in the literature in individuals affected with PTCH1-related conditions. ClinVar contains an entry for this variant (Variation ID: 1040630). Invitae Evidence Modeling of protein sequence and biophysical properties (such as structural, functional, and spatial information, amino acid conservation, physicochemical variation, residue mobility, and thermodynamic stability) indicates that this missense variant is not expected to disrupt PTCH1 protein function with a negative predictive value of 95%. In summary, the available evidence is currently insufficient to determine the role of this variant in disease. Therefore, it has been classified as a Variant of Uncertain Significance.

Ambry Genetics
Classification: Uncertain significance for Hereditary cancer-predisposing syndrome. Last evaluated: 2025-07-15. Review status: criteria provided, single submitter. Criteria: Ambry Variant Classification Scheme 2023. Collection method: clinical testing. Allele origin: germline.
Comment: The p.M1122V variant (also known as c.3364A>G), located in coding exon 20 of the PTCH1 gene, results from an A to G substitution at nucleotide position 3364. The methionine at codon 1122 is replaced by valine, an amino acid with highly similar properties. This amino acid position is conserved. In addition, this alteration is predicted to be deleterious by in silico analysis. Since supporting evidence is limited at this time, the clinical significance of this alteration remains unclear.

NM_000264.5(PTCH1):c.3364A>G (p.Met1122Val)

Gene: PTCH1 (patched 1; minus strand). Cytogenetic location: 9q22.32.
Variant type: single nucleotide variant.
Coding change: c.3364A>G on transcript NM_000264.5 (MANE Select); coding-DNA position 3364, A replaced by G.
Protein change: p.Met1122Val; replaces methionine 1122 with valine.
Molecular consequence: missense variant. On other transcripts: non-coding transcript variant (1).
Genome position (GRCh38, 1-based): chr9:95,453,563, T>C on the plus strand (A>G on the coding strand, the complement: PTCH1 is on the minus strand). VCF-style: chr9-95453563-T-C. GRCh37 (hg19) VCF-style: chr9-98215845-T-C.
Other names: c.3166A>G, p.Met1056Val (NM_001083602.3); c.3361A>G, p.Met1121Val (NM_001083603.3); c.2911A>G, p.Met971Val (NM_001083604.3, NM_001083605.3, NM_001083606.3 and 1 more transcripts); c.3208A>G, p.Met1070Val (NM_001354918.2); c.3364A>G (NM_000264.3); short protein forms M971V, M1056V, M1070V, M1121V, M1122V.
Identifiers: ClinVar variation 1040630 (VCV001040630.14), dbSNP rs1838661361, ClinGen allele CA374111821.